The following is an entry in ClinVar:

ClinVar aggregate classification (germline): Uncertain significance (1 of 4 stars; one submission).

Submission:

Labcorp Genetics (formerly Invitae), Labcorp
Classification: Uncertain significance. Last evaluated: 2022-09-27. Review status: criteria provided, single submitter. Criteria: Invitae Variant Classification Sherloc (09022015). Collection method: clinical testing. Allele origin: germline.
Comment: In summary, the available evidence is currently insufficient to determine the role of this variant in disease. Therefore, it has been classified as a Variant of Uncertain Significance. This variant, c.2341_2343del, results in the deletion of 1 amino acid(s) of the ATP6V0A4 protein (p.Ile781del), but otherwise preserves the integrity of the reading frame. This variant is present in population databases (rs779232222, gnomAD 0.02%). This variant has not been reported in the literature in individuals affected with ATP6V0A4-related conditions. Experimental studies and prediction algorithms are not available or were not evaluated, and the functional significance of this variant is currently unknown.

NM_020632.3(ATP6V0A4):c.2338ATT[1] (p.Ile781del)

Gene: ATP6V0A4 (ATPase H+ transporting V0 subunit a4; minus strand). Cytogenetic location: 7q34.
Variant type: Microsatellite.
Coding change: c.2338ATT[1] on transcript NM_020632.3 (MANE Select); one copy of the 3-base unit ATT starting at c.2338; the reference has two copies in a row; one copy, 3 bases deleted.
Protein change: p.Ile781del; deletes isoleucine 781.
Molecular consequence: inframe deletion.
Genome position (GRCh38, 1-based): chr7:138,709,710-138,709,712, AAT deleted on the plus strand (ATT on the coding strand, the reverse complement: ATP6V0A4 is on the minus strand); deleting any 3 consecutive bases within chr7:138,709,710-138,709,717 gives the same sequence; the position shown is the placement nearest the transcript's 3' end. VCF-style (leftmost placement, unchanged base first): chr7-138709709-AAAT-A. GRCh37 (hg19) VCF-style: chr7-138394454-AAAT-A.
Other names: c.2338ATT[1], p.Ile781del (NM_130840.3, NM_130841.3); short protein forms I781del.
Identifiers: ClinVar variation 1924050 (VCV001924050.5), dbSNP rs779232222, ClinGen allele CA4504444.